The following is an entry in ClinVar:

NM_000059.4(BRCA2):c.9369del (p.Ser3123fs)

Gene: BRCA2 (BRCA2 DNA repair associated; plus strand). Cytogenetic location: 13q13.1.
Variant type: Deletion.
Coding change: c.9369del on transcript NM_000059.4 (MANE Select); coding-DNA position 9369, one base deleted (C; older notation c.9369delC).
Protein change: p.Ser3123fs; shifts the reading frame from serine 3123.
Molecular consequence: frameshift variant. On other transcripts: non-coding transcript variant (1).
Genome position (GRCh38, 1-based): chr13:32,394,801, C deleted. VCF-style (leftmost placement, unchanged base first): chr13-32394800-GC-G. GRCh37 (hg19) VCF-style: chr13-32968937-GC-G.
Other names: c.9273del, p.Ser3091fs (NM_001406719.1); c.9318del, p.Ser3106fs (NM_001406720.1); c.4437del, p.Ser1479fs (NM_001406721.1); c.2952del, p.Ser984fs (NM_001406722.1); short protein forms S3106fs, S984fs, S1479fs, S3091fs, S3123fs.
Identifiers: ClinVar variation 2837256 (VCV002837256.3), dbSNP rs2548562252, ClinGen allele CA2739277571.

ClinVar aggregate classification (germline): Pathogenic (1 of 4 stars; one submission).

Conditions:
Hereditary breast ovarian cancer syndrome. Also called: Hereditary breast and ovarian cancer syndrome (HBOC); Breast and ovarian cancer; BRCA1- and BRCA2-Associated Hereditary Breast and Ovarian Cancer; Hereditary breast and ovarian cancer syndrome; Hereditary breast and ovarian cancer; Hereditary breast and/or ovarian cancer syndrome. Identifiers: Orphanet 145, MedGen C0677776, MeSH D061325, MONDO:0003582. Disease mechanism: loss of function.

Submission:

Labcorp Genetics (formerly Invitae), Labcorp
Classification: Pathogenic for Hereditary breast ovarian cancer syndrome. Last evaluated: 2023-11-21. Review status: criteria provided, single submitter. Criteria: Invitae Variant Classification Sherloc (09022015). Collection method: clinical testing. Allele origin: germline.
Comment: This sequence change creates a premature translational stop signal (p.Ser3123Argfs*40) in the BRCA2 gene. It is expected to result in an absent or disrupted protein product. Loss-of-function variants in BRCA2 are known to be pathogenic (PMID: 20104584). This variant is not present in population databases (gnomAD no frequency). This variant has not been reported in the literature in individuals affected with BRCA2-related conditions. For these reasons, this variant has been classified as Pathogenic.

Literature cited by the submitters: PubMed 20104584.